The following is an entry in ClinVar:

NM_024306.5(FA2H):c.892G>A (p.Gly298Ser)

Gene: FA2H (fatty acid 2-hydroxylase; minus strand). Cytogenetic location: 16q23.1.
Variant type: single nucleotide variant.
Coding change: c.892G>A on transcript NM_024306.5 (MANE Select); coding-DNA position 892, G replaced by A.
Protein change: p.Gly298Ser; replaces glycine 298 with serine.
Molecular consequence: missense variant.
Genome position (GRCh38, 1-based): chr16:74,716,494, C>T on the plus strand (G>A on the coding strand, the complement: FA2H is on the minus strand). VCF-style: chr16-74716494-C-T. GRCh37 (hg19) VCF-style: chr16-74750392-C-T.
Other names: short protein forms G298S.
Identifiers: ClinVar variation 1807111 (VCV001807111.3), dbSNP rs2544312254, ClinGen allele CA396769128.
Genomic context (GRCh38, chr16:74,716,494, plus strand): 5'-GGTAGTAATGGGTCATGTCATAGAGGACGTAGCCCAGGAGGCCCCCCGCAAACACAGTGC[C>T]CCCTACTGCCTCGGGCAGGATGAGCTGCATGCACAAGTAGAAGACGCCGATCACCAGGGA-3'
Protein context (NP_077282.3, residues 288-308): MQLILPEAVG[Gly298Ser]TVFAGGLLGY

ClinVar aggregate classification (germline): Uncertain significance. Review status: criteria provided, multiple submitters, no conflicts (2 of 4 stars). 2 submissions from 2 submitters: Uncertain significance (2). Last evaluated 2024-06-27.

Submissions (2):

GeneDx
Classification: Uncertain significance. Last evaluated: 2024-06-27. Review status: criteria provided, single submitter. Criteria: GeneDx Variant Classification Process June 2021. Collection method: clinical testing. Allele origin: germline. Affected: yes.
Comment: Not observed at significant frequency in large population cohorts (gnomAD); In silico analysis indicates that this missense variant does not alter protein structure/function; Has not been previously published as pathogenic or benign to our knowledge; This variant is associated with the following publications: (PMID: 24359114)

Athena Diagnostics
Classification: Uncertain significance. Last evaluated: 2023-04-04. Review status: criteria provided, single submitter. Criteria: Athena Diagnostics Criteria. Collection method: clinical testing. Allele origin: unknown.
Comment: Available data are insufficient to determine the clinical significance of the variant at this time. This variant has not been reported in large, multi-ethnic general populations. Computational tools disagree on the variant's effect on normal protein function.